The following is an entry in ClinVar:

ClinVar aggregate classification (germline): Uncertain significance (1 of 4 stars; one submission).

Conditions:
DICER1-related tumor predisposition. Also called: DICER1-related pleuropulmonary blastoma cancer predisposition syndrome; DICER1 syndrome. Identifiers: Orphanet 284343, MedGen C3839822, MONDO:0100216.

Submission:

Labcorp Genetics (formerly Invitae), Labcorp
Classification: Uncertain significance for DICER1-related tumor predisposition. Last evaluated: 2023-11-20. Review status: criteria provided, single submitter. Criteria: Invitae Variant Classification Sherloc (09022015). Collection method: clinical testing. Allele origin: germline.
Comment: This sequence change replaces glutamic acid, which is acidic and polar, with lysine, which is basic and polar, at codon 50 of the DICER1 protein (p.Glu50Lys). This variant is not present in population databases (gnomAD no frequency). This variant has not been reported in the literature in individuals affected with DICER1-related conditions. Advanced modeling of protein sequence and biophysical properties (such as structural, functional, and spatial information, amino acid conservation, physicochemical variation, residue mobility, and thermodynamic stability) performed at Invitae indicates that this missense variant is expected to disrupt DICER1 protein function with a positive predictive value of 80%. In summary, the available evidence is currently insufficient to determine the role of this variant in disease. Therefore, it has been classified as a Variant of Uncertain Significance.

NM_177438.3(DICER1):c.148G>A (p.Glu50Lys)

Gene: DICER1 (dicer 1, ribonuclease III; minus strand). Cytogenetic location: 14q32.13.
Variant type: single nucleotide variant.
Coding change: c.148G>A on transcript NM_177438.3 (MANE Select); coding-DNA position 148, G replaced by A.
Protein change: p.Glu50Lys; replaces glutamic acid 50 with lysine.
Molecular consequence: missense variant. On other transcripts: 5 prime UTR variant (9), non-coding transcript variant (6).
Genome position (GRCh38, 1-based): chr14:95,132,674, C>T on the plus strand (G>A on the coding strand, the complement: DICER1 is on the minus strand). VCF-style: chr14-95132674-C-T. GRCh37 (hg19) VCF-style: chr14-95599011-C-T.
Other names: c.148G>A, p.Glu50Lys (NM_001195573.1, NM_001271282.3, NM_001291628.2 and 15 more transcripts); c.-127G>A (NM_001395686.1, NM_001395687.1, NM_001395688.1 and 4 more transcripts); c.-311G>A (NM_001395691.1); c.-1421G>A (NM_001395697.1); short protein forms E50K.
Identifiers: ClinVar variation 2697554 (VCV002697554.3), dbSNP rs2543373136, ClinGen allele CA390890192.